The following is an entry in ClinVar:

NM_001854.4(COL11A1):c.4064C>T (p.Pro1355Leu)

Gene: COL11A1 (collagen type XI alpha 1 chain; minus strand). Cytogenetic location: 1p21.1.
Variant type: single nucleotide variant.
Coding change: c.4064C>T on transcript NM_001854.4 (MANE Select); coding-DNA position 4064, C replaced by T.
Protein change: p.Pro1355Leu; replaces proline 1355 with leucine.
Molecular consequence: missense variant. On other transcripts: non-coding transcript variant (1).
Genome position (GRCh38, 1-based): chr1:102,912,181, G>A on the plus strand (C>T on the coding strand, the complement: COL11A1 is on the minus strand). VCF-style: chr1-102912181-G-A. GRCh37 (hg19) VCF-style: chr1-103377737-G-A.
Other names: c.4064C>T (NM_001854.3); c.3716C>T, p.Pro1239Leu (NM_001168249.1, NM_080630.4); c.3947C>T, p.Pro1316Leu (NM_001190709.2); c.4100C>T, p.Pro1367Leu (NM_080629.3); short protein forms P1367L, P1239L, P1355L, P1316L.
Identifiers: ClinVar variation 1961959 (VCV001961959.6), dbSNP rs773288292, ClinGen allele CA973699.

ClinVar aggregate classification (germline): Conflicting classifications of pathogenicity. Review status: criteria provided, conflicting classifications (1 of 4 stars). 2 submissions from 2 submitters: Uncertain significance (1); Likely benign (1). Last evaluated 2024-01-24.

Allele frequency attached by ClinVar (database versions not stated): ExAC 0.00001; gnomAD exomes 0.00001.
gnomAD v4.1: 3 of 1,611,632 alleles (0.00019%); highest among the groups gnomAD compares: Non-Finnish European, 0.00025%; no homozygotes.

Submissions (2):

Labcorp Genetics (formerly Invitae), Labcorp
Classification: Likely benign. Last evaluated: 2024-01-24. Review status: criteria provided, single submitter. Criteria: Invitae Variant Classification Sherloc (09022015). Collection method: clinical testing. Allele origin: germline.

GeneDx
Classification: Uncertain significance. Last evaluated: 2023-11-09. Review status: criteria provided, single submitter. Criteria: GeneDx Variant Classification Process June 2021. Collection method: clinical testing. Allele origin: germline. Affected: yes.
Comment: Not observed at significant frequency in large population cohorts (gnomAD); In silico analysis supports that this missense variant has a deleterious effect on protein structure/function; Has not been previously published as pathogenic or benign to our knowledge